The following is an entry in ClinVar:

NM_000089.4(COL1A2):c.3760C>T (p.Leu1254Phe)

Gene: COL1A2 (collagen type I alpha 2 chain; plus strand). Cytogenetic location: 7q21.3.
Variant type: single nucleotide variant.
Coding change: c.3760C>T on transcript NM_000089.4 (MANE Select); coding-DNA position 3760, C replaced by T.
Protein change: p.Leu1254Phe; replaces leucine 1254 with phenylalanine.
Molecular consequence: missense variant.
Genome position (GRCh38, 1-based): chr7:94,429,236, C>T. VCF-style: chr7-94429236-C-T. GRCh37 (hg19) VCF-style: chr7-94058548-C-T.
Other names: short protein forms L1254F.
Identifiers: ClinVar variation 2927422 (VCV002927422.4), dbSNP rs1172537408, ClinGen allele CA368226687.

ClinVar aggregate classification (germline): Uncertain significance. Review status: criteria provided, multiple submitters, no conflicts (2 of 4 stars). 2 submissions from 2 submitters: Uncertain significance (2). Last evaluated 2026-02-15.

Conditions:
Cardiovascular phenotype. Identifiers: MedGen CN230736.
Osteogenesis imperfecta type I (OI1). Also called: Lobstein disease; OI, TYPE I; OSTEOGENESIS IMPERFECTA TARDA; OSTEOGENESIS IMPERFECTA WITH BLUE SCLERAE; Osteogenesis imperfecta type 1; Lobstein's Disease. Identifiers: Orphanet 216796, Orphanet 666, MedGen C0023931, MONDO:0008146, OMIM 166200. Disease mechanism: loss of function.
Ehlers-Danlos syndrome, classic type, 1 (EDSCL1). Also called: EDS I; EHLERS-DANLOS SYNDROME, GRAVIS TYPE; EHLERS-DANLOS SYNDROME, SEVERE CLASSIC TYPE; Ehlers-Danlos syndrome, type 1; Ehlers-Danlos Syndrome, Classic Type, COL5A1-Related. Identifiers: MedGen C0268335, MONDO:0019567, OMIM 130000.

Allele frequency attached by ClinVar (database versions not stated): gnomAD 0.00001; gnomAD exomes 0.00001.
gnomAD v4.1: 10 of 1,612,920 alleles (0.00062%); highest among the groups gnomAD compares: Non-Finnish European, 0.00085%; no homozygotes.

Submissions (2):

Ambry Genetics
Classification: Uncertain significance for Cardiovascular phenotype. Last evaluated: 2026-02-15. Review status: criteria provided, single submitter. Criteria: Ambry Variant Classification Scheme 2023. Collection method: clinical testing. Allele origin: germline.
Comment: The p.L1254F variant (also known as c.3760C>T), located in coding exon 51 of the COL1A2 gene, results from a C to T substitution at nucleotide position 3760. The leucine at codon 1254 is replaced by phenylalanine, an amino acid with highly similar properties. This amino acid position is conserved. In addition, the in silico prediction for this alteration is inconclusive. Based on the available evidence, the clinical significance of this variant remains unclear.

Labcorp Genetics (formerly Invitae), Labcorp
Classification: Uncertain significance for Osteogenesis imperfecta type I; Ehlers-Danlos syndrome, classic type, 1. Last evaluated: 2025-12-09. Review status: criteria provided, single submitter. Criteria: Invitae Variant Classification Sherloc (09022015). Collection method: clinical testing. Allele origin: germline.
Comment: This sequence change replaces leucine, which is neutral and non-polar, with phenylalanine, which is neutral and non-polar, at codon 1254 of the COL1A2 protein (p.Leu1254Phe). This variant is present in population databases (no rsID available, gnomAD 0.007%). This variant has not been reported in the literature in individuals affected with COL1A2-related conditions. ClinVar contains an entry for this variant (Variation ID: 2927422). Invitae Evidence Modeling of protein sequence and biophysical properties (such as structural, functional, and spatial information, amino acid conservation, physicochemical variation, residue mobility, and thermodynamic stability) indicates that this missense variant is not expected to disrupt COL1A2 protein function with a negative predictive value of 95%. In summary, the available evidence is currently insufficient to determine the role of this variant in disease. Therefore, it has been classified as a Variant of Uncertain Significance.